The following is an entry in ClinVar:

NM_000179.3(MSH6):c.1807A>T (p.Lys603Ter)

Gene: MSH6 (mutS homolog 6; plus strand). Cytogenetic location: 2p16.3.
Variant type: single nucleotide variant.
Coding change: c.1807A>T on transcript NM_000179.3 (MANE Select); coding-DNA position 1807, A replaced by T.
Protein change: p.Lys603Ter; replaces lysine 603 with a stop codon.
Molecular consequence: nonsense.
Genome position (GRCh38, 1-based): chr2:47,799,790, A>T. VCF-style: chr2-47799790-A-T. GRCh37 (hg19) VCF-style: chr2-48026929-A-T.
Other names: c.1417A>T, p.Lys473Ter (NM_001281492.2); c.901A>T, p.Lys301Ter (NM_001281493.2, NM_001281494.2); short protein forms K301*, K473*, K603*.
Identifiers: ClinVar variation 1074217 (VCV001074217.7), dbSNP rs1238126377, ClinGen allele CA346749369.

ClinVar aggregate classification (germline): Pathogenic (1 of 4 stars; one submission).

Conditions:
Hereditary nonpolyposis colorectal neoplasms. Identifiers: MedGen C0009405, MeSH D003123.

Allele frequency attached by ClinVar (database versions not stated): TOPMed below 0.00001; gnomAD 0.00001.
gnomAD v4.1: 1 of 1,614,106 alleles (0.000062%); highest among the groups gnomAD compares: East Asian, 0.0022%; no homozygotes.

Submission:

Labcorp Genetics (formerly Invitae), Labcorp
Classification: Pathogenic for Hereditary nonpolyposis colorectal neoplasms. Last evaluated: 2020-09-03. Review status: criteria provided, single submitter. Criteria: Invitae Variant Classification Sherloc (09022015). Collection method: clinical testing. Allele origin: germline.
Comment: Loss-of-function variants in MSH6 are known to be pathogenic (PMID: 18269114, 24362816). For these reasons, this variant has been classified as Pathogenic. This variant has not been reported in the literature in individuals with MSH6-related conditions. This variant is not present in population databases (ExAC no frequency). This sequence change creates a premature translational stop signal (p.Lys603*) in the MSH6 gene. It is expected to result in an absent or disrupted protein product.

Literature cited by the submitters: PubMed 18269114; PubMed 24362816.